The following is an entry in ClinVar:

NM_000535.7(PMS2):c.811G>C (p.Gly271Arg)

Gene: PMS2 (PMS1 homolog 2, mismatch repair system component; minus strand). Cytogenetic location: 7p22.1.
Variant type: single nucleotide variant.
Coding change: c.811G>C on transcript NM_000535.7 (MANE Select); coding-DNA position 811, G replaced by C.
Protein change: p.Gly271Arg; replaces glycine 271 with arginine.
Molecular consequence: missense variant. On other transcripts: 5 prime UTR variant (2), non-coding transcript variant (1).
Genome position (GRCh38, 1-based): chr7:5,995,626, C>G on the plus strand (G>C on the coding strand, the complement: PMS2 is on the minus strand). VCF-style: chr7-5995626-C-G. GRCh37 (hg19) VCF-style: chr7-6035257-C-G.
Other names: c.406G>C, p.Gly136Arg (NM_001018040.1, NM_001322003.2, NM_001322004.2 and 20 more transcripts); c.811G>C, p.Gly271Arg (NM_001322006.2, NM_001322014.2, NM_001406870.1 and 2 more transcripts); c.493G>C, p.Gly165Arg (NM_001322007.2, NM_001322008.2, NM_001406876.1 and 4 more transcripts); c.-123G>C (NM_001322011.2, NM_001322012.2); c.238G>C, p.Gly80Arg (NM_001322013.2, NM_001406909.1); c.502G>C, p.Gly168Arg (NM_001322015.2, NM_001406875.1, NM_001406877.1 and 6 more transcripts); c.997G>C, p.Gly333Arg (NM_001406866.1); c.835G>C, p.Gly279Arg (NM_001406868.1); and 4 more; short protein forms G165R, G100R, G159R, G215R, G271R, G136R, G235R, G279R.
Identifiers: ClinVar variation 1762082 (VCV001762082.5), dbSNP rs1583364895, ClinGen allele CA366743571.

ClinVar aggregate classification (germline): Likely pathogenic. Review status: criteria provided, multiple submitters, no conflicts (2 of 4 stars). 2 submissions from 2 submitters: Likely pathogenic (2). Last evaluated 2024-02-14.

Conditions:
Hereditary nonpolyposis colorectal neoplasms. Identifiers: MedGen C0009405, MeSH D003123.
Hereditary cancer-predisposing syndrome. Also called: Neoplastic Syndromes, Hereditary; Tumor predisposition; Hereditary Cancer Syndrome; Hereditary neoplastic syndrome. Identifiers: Orphanet 140162, MedGen C0027672, MeSH D009386, MONDO:0015356.

Submissions (2):

Ambry Genetics
Classification: Likely pathogenic for Hereditary cancer-predisposing syndrome. Last evaluated: 2024-02-14. Review status: criteria provided, single submitter. Criteria: Ambry Variant Classification Scheme 2023. Collection method: clinical testing. Allele origin: germline.
Comment: The p.G271R variant (also known as c.811G>C), located in coding exon 8 of the PMS2 gene, results from a G to C substitution at nucleotide position 811. The glycine at codon 271 is replaced by arginine, an amino acid with dissimilar properties. This variant has been identified in individuals with Lynch syndrome associated tumors that demonstrated absent or reduced staining for PMS2 on immunohistochemistry (IHC) (Ambry internal data). Based on an internal structural analysis using published crystal structures, this variant is more disruptive than known pathogenic variants (Ambry internal data; Guarn&eacute; A et al. EMBO J., 2001 Oct;20:5521-31). This amino acid position is highly conserved in available vertebrate species. In addition, this alteration is predicted to be deleterious by in silico analysis. Based on the majority of available evidence to date, this variant is likely to be pathogenic.

Labcorp Genetics (formerly Invitae), Labcorp
Classification: Likely pathogenic for Hereditary nonpolyposis colorectal neoplasms. Last evaluated: 2023-10-04. Review status: criteria provided, single submitter. Criteria: Invitae Variant Classification Sherloc (09022015). Collection method: clinical testing. Allele origin: germline.
Comment: This sequence change replaces glycine, which is neutral and non-polar, with arginine, which is basic and polar, at codon 271 of the PMS2 protein (p.Gly271Arg). This variant is not present in population databases (gnomAD no frequency). This missense change has been observed in individuals with Lynch syndrome (Invitae; external communication). ClinVar contains an entry for this variant (Variation ID: 1762082). Advanced modeling of protein sequence and biophysical properties (such as structural, functional, and spatial information, amino acid conservation, physicochemical variation, residue mobility, and thermodynamic stability) performed at Invitae indicates that this missense variant is expected to disrupt PMS2 protein function. Algorithms developed to predict the effect of sequence changes on RNA splicing suggest that this variant may disrupt the consensus splice site. In summary, the currently available evidence indicates that the variant is pathogenic, but additional data are needed to prove that conclusively. Therefore, this variant has been classified as Likely Pathogenic.

Literature cited by the submitters: PubMed 11574484 (cited by Ambry Genetics).